The following is an entry in ClinVar:

NM_006514.4(SCN10A):c.3361C>T (p.Arg1121Cys)

Genes: SCN10A (sodium voltage-gated channel alpha subunit 10; minus strand), LOC110121288 (VISTA enhancer hs2268; plus strand). Cytogenetic location: 3p22.2.
Variant type: single nucleotide variant.
Coding change: c.3361C>T on transcript NM_006514.4 (MANE Select); coding-DNA position 3361, C replaced by T.
Protein change: p.Arg1121Cys; replaces arginine 1121 with cysteine.
Molecular consequence: missense variant.
Genome position (GRCh38, 1-based): chr3:38,722,404, G>A on the plus strand (C>T on the coding strand, the complement: SCN10A is on the minus strand). VCF-style: chr3-38722404-G-A. GRCh37 (hg19) VCF-style: chr3-38763895-G-A.
Other names: c.3358C>T, p.Arg1120Cys (NM_001293306.2); c.3067C>T, p.Arg1023Cys (NM_001293307.2); short protein forms R1121C, R1120C, R1023C.
Identifiers: ClinVar variation 532070 (VCV000532070.21), dbSNP rs146965005, ClinGen allele CA2320253.

ClinVar aggregate classification (germline): Conflicting classifications of pathogenicity. Review status: criteria provided, conflicting classifications (1 of 4 stars). 5 submissions from 5 submitters: Uncertain significance (4); Likely benign (1). Last evaluated 2026-09-09.

Conditions:
SCN10A-related disorder. Also called: SCN10A-related condition.
Cardiovascular phenotype. Identifiers: MedGen CN230736.
Brugada syndrome. Also called: Sudden unexpected nocturnal death syndrome; Sudden Unexplained Death Syndrome; Sudden Unexplained Nocturnal Death Syndrome (SUNDS); Sudden unexplained nocturnal death syndrome. Identifiers: Orphanet 130, MedGen C1142166, MONDO:0015263.

Allele frequency attached by ClinVar (database versions not stated): TOPMed 0.00015; 1000 Genomes Project 30x 0.00031; 1000 Genomes Project 0.00040.
gnomAD v4.1: 271 of 1,613,504 alleles (0.017%); highest among the groups gnomAD compares: Admixed American, 0.04%; no homozygotes.

Submissions (5):

PreventionGenetics, part of Exact Sciences
Classification: Uncertain significance for SCN10A-related condition. Last evaluated: 2026-09-09. Review status: criteria provided, single submitter. Criteria: ACMG Guidelines, 2015. Collection method: clinical testing. Allele origin: germline.
Comment: The SCN10A c.3361C>T variant is predicted to result in the amino acid substitution p.Arg1121Cys. This variant was reported in one individual with Brugada syndrome (Behr et al. 2015. PubMed ID: 25691538) and one individual with dilated cardiomyopathy (Suppl Table 1, Voinescu et al. 2024. PubMed ID: 38473809). However, it was uncertain as to whether the variant was the primary cause of disease in the patients. This variant is reported in 0.025% of alleles in individuals of Latino descent in gnomAD. Although we suspect that this variant may be benign, at this time, the clinical significance of this variant is uncertain due to the absence of conclusive functional and genetic evidence.

Labcorp Genetics (formerly Invitae), Labcorp
Classification: Uncertain significance for Brugada syndrome. Last evaluated: 2025-12-09. Review status: criteria provided, single submitter. Criteria: Invitae Variant Classification Sherloc (09022015). Collection method: clinical testing. Allele origin: germline.
Comment: This sequence change replaces arginine, which is basic and polar, with cysteine, which is neutral and slightly polar, at codon 1121 of the SCN10A protein (p.Arg1121Cys). This variant is present in population databases (rs146965005, gnomAD 0.03%). This missense change has been observed in individual(s) with Brugada syndrome (PMID: 25691538). ClinVar contains an entry for this variant (Variation ID: 532070). Invitae Evidence Modeling of protein sequence and biophysical properties (such as structural, functional, and spatial information, amino acid conservation, physicochemical variation, residue mobility, and thermodynamic stability) indicates that this missense variant is not expected to disrupt SCN10A protein function with a negative predictive value of 80%. In summary, the available evidence is currently insufficient to determine the role of this variant in disease. Therefore, it has been classified as a Variant of Uncertain Significance.

CeGaT Center for Human Genetics Tuebingen
Classification: Uncertain significance. Last evaluated: 2025-11-01. Review status: criteria provided, single submitter. Criteria: CeGaT Center For Human Genetics Tuebingen Variant Classification Criteria Version 2. Collection method: clinical testing. Allele origin: germline. Affected: yes. Observed: 1 variant allele.

GeneDx
Classification: Uncertain significance. Last evaluated: 2025-10-28. Review status: criteria provided, single submitter. Criteria: GeneDx Variant Classification Process June 2021. Collection method: clinical testing. Allele origin: germline. Affected: yes.
Comment: Reported in a patient with Brugada syndrome, though additional patient-specific details were not provided (PMID: 25691538); In silico analysis supports that this missense variant has a deleterious effect on protein structure/function; This variant is associated with the following publications: (PMID: 30821013, 25691538, 38473809)

Ambry Genetics
Classification: Likely benign for Cardiovascular phenotype. Last evaluated: 2020-03-26. Review status: criteria provided, single submitter. Criteria: Ambry Variant Classification Scheme 2023. Collection method: clinical testing. Allele origin: germline.

Literature cited by the submitters: PubMed 25691538 (cited by Labcorp Genetics (formerly Invitae), Labcorp).